The following is an entry in ClinVar:

NM_000429.3(MAT1A):c.456del (p.Thr153fs)

Gene: MAT1A (methionine adenosyltransferase 1A; minus strand). Cytogenetic location: 10q22.3.
Variant type: Deletion.
Coding change: c.456del on transcript NM_000429.3 (MANE Select); coding-DNA position 456, one base deleted (C; older notation c.456delC).
Protein change: p.Thr153fs; shifts the reading frame from threonine 153.
Molecular consequence: frameshift variant.
Genome position (GRCh38, 1-based): chr10:80,280,266, G deleted on the plus strand (C on the coding strand, the reverse complement: MAT1A is on the minus strand). VCF-style (leftmost placement, unchanged base first): chr10-80280265-TG-T. GRCh37 (hg19) VCF-style: chr10-82040021-TG-T.
Other names: short protein forms T153fs.
Identifiers: ClinVar variation 3656125 (VCV003656125.2).

ClinVar aggregate classification (germline): Pathogenic (1 of 4 stars; one submission).

Conditions:
Hepatic methionine adenosyltransferase deficiency. Also called: Deficiency of methionine adenosyltransferase; MAT I/III DEFICIENCY; Methionine adenosyltransferase deficiency; Isolated Persistent Hypermethioninemia. Identifiers: Orphanet 168598, MedGen C0268621, MeSH C564683, MONDO:0009607, OMIM 250850.

Submission:

Labcorp Genetics (formerly Invitae), Labcorp
Classification: Pathogenic for Hepatic methionine adenosyltransferase deficiency. Last evaluated: 2024-08-08. Review status: criteria provided, single submitter. Criteria: Invitae Variant Classification Sherloc (09022015). Collection method: clinical testing. Allele origin: germline.
Comment: This sequence change creates a premature translational stop signal (p.Thr153Profs*32) in the MAT1A gene. It is expected to result in an absent or disrupted protein product. Loss-of-function variants in MAT1A are known to be pathogenic (PMID: 20675163, 24231718). This variant is not present in population databases (gnomAD no frequency). This variant has not been reported in the literature in individuals affected with MAT1A-related conditions. For these reasons, this variant has been classified as Pathogenic.

Literature cited by the submitters: PubMed 20675163; PubMed 24231718.